The following is an entry in ClinVar:

ClinVar aggregate classification (germline): Uncertain significance (1 of 4 stars; one submission).

gnomAD v4.1: 40 of 1,613,794 alleles (0.0025%); highest among the groups gnomAD compares: East Asian, 0.087%; no homozygotes.

Submission:

GeneDx
Classification: Uncertain significance. Last evaluated: 2024-04-02. Review status: criteria provided, single submitter. Criteria: GeneDx Variant Classification Process June 2021. Collection method: clinical testing. Allele origin: germline. Affected: yes.
Comment: Has not been previously published as pathogenic or benign to our knowledge; In silico analysis supports that this missense variant does not alter protein structure/function

NM_000228.3(LAMB3):c.3443C>A (p.Thr1148Lys)

Gene: LAMB3 (laminin subunit beta 3; minus strand). Cytogenetic location: 1q32.2.
Variant type: single nucleotide variant.
Coding change: c.3443C>A on transcript NM_000228.3 (MANE Select); coding-DNA position 3443, C replaced by A.
Protein change: p.Thr1148Lys; replaces threonine 1148 with lysine.
Molecular consequence: missense variant.
Genome position (GRCh38, 1-based): chr1:209,615,347, G>T on the plus strand (C>A on the coding strand, the complement: LAMB3 is on the minus strand). VCF-style: chr1-209615347-G-T. GRCh37 (hg19) VCF-style: chr1-209788692-G-T.
Other names: c.3443C>A, p.Thr1148Lys (NM_001017402.2, NM_001127641.1); short protein forms T1148K.
Identifiers: ClinVar variation 3372018 (VCV003372018.1).